The following is an entry in ClinVar:

NM_007294.4(BRCA1):c.1316C>G (p.Ala439Gly)

Gene: BRCA1 (BRCA1 DNA repair associated; minus strand). Cytogenetic location: 17q21.31.
Variant type: single nucleotide variant.
Coding change: c.1316C>G on transcript NM_007294.4 (MANE Select); coding-DNA position 1316, C replaced by G.
Protein change: p.Ala439Gly; replaces alanine 439 with glycine.
Molecular consequence: missense variant. On other transcripts: intron variant (137).
Genome position (GRCh38, 1-based): chr17:43,094,215, G>C on the plus strand (C>G on the coding strand, the complement: BRCA1 is on the minus strand). VCF-style: chr17-43094215-G-C. GRCh37 (hg19) VCF-style: chr17-41246232-G-C.
Other names: c.784+529C>G (NM_001407992.1, NM_001407986.1, NM_001407972.1 and 13 more transcripts); c.1190C>G, p.Ala397Gly (NM_001407671.1, NM_001407672.1, NM_001407673.1 and 11 more transcripts); c.664+529C>G (NM_001408440.1, NM_001408428.1, NM_001408441.1 and 12 more transcripts); c.1193C>G, p.Ala398Gly (NM_001407676.1, NM_001407677.1, NM_001407679.1 and 19 more transcripts); c.709+529C>G (NM_001408411.1, NM_001408414.1, NM_001408412.1 and 2 more transcripts); c.787+529C>G (NM_007298.4, NM_001407978.1, NM_001407981.1 and 19 more transcripts); c.643+529C>G (NM_001408462.1, NM_001408470.1, NM_001408464.1 and 3 more transcripts); c.670+1631C>G (NM_001408418.1, NM_001408423.1, NM_001408420.1 and 2 more transcripts); and 40 more; short protein forms A392G, A439G, A271G, A328G, A351G, A372G, A436G, A438G.
Identifiers: ClinVar variation 862887 (VCV000862887.15), dbSNP rs777132211, ClinGen allele CA057156.
Genomic context (GRCh38, chr17:43,094,215, plus strand): 5'-TTGTCTTCAATATTACTCTCTACTGATTTGGAGTGAACTCTTTCACTTTTACATATTAAA[G>C]CCTCATGAGGATCACTGGCCAGTAAGTCTATTTTCTCTGAAGAACCAGAATATTCATCTA-3'
Protein context (NP_009225.1, residues 429-449): IDLLASDPHE[Ala439Gly]LICKSERVHS

ClinVar aggregate classification (germline): Conflicting classifications of pathogenicity. Review status: criteria provided, conflicting classifications (1 of 4 stars). 3 submissions from 3 submitters: Uncertain significance (2); Likely benign (1). Last evaluated 2023-03-23.

Conditions:
Hereditary cancer-predisposing syndrome. Also called: Hereditary Cancer Syndrome; Tumor predisposition; Neoplastic Syndromes, Hereditary; Hereditary neoplastic syndrome. Identifiers: Orphanet 140162, MedGen C0027672, MeSH D009386, MONDO:0015356.
Hereditary breast ovarian cancer syndrome. Also called: Hereditary breast and ovarian cancer syndrome; Hereditary breast and/or ovarian cancer syndrome; Hereditary breast and ovarian cancer syndrome (HBOC); Breast and ovarian cancer; Hereditary breast and ovarian cancer; BRCA1- and BRCA2-Associated Hereditary Breast and Ovarian Cancer. Identifiers: Orphanet 145, MedGen C0677776, MeSH D061325, MONDO:0003582. Disease mechanism: loss of function.

Allele frequency attached by ClinVar (database versions not stated): ExAC 0.00001; gnomAD exomes 0.00001.
gnomAD v4.1: 3 of 1,614,006 alleles (0.00019%); highest among the groups gnomAD compares: East Asian, 0.0067%; no homozygotes.

Submissions (3):

University of Washington Department of Laboratory Medicine, University of Washington
Classification: Likely benign for Hereditary cancer-predisposing syndrome. Last evaluated: 2023-03-23. Review status: criteria provided, single submitter. Criteria: Dines et al. (Genet Med. 2020). Collection method: curation. Allele origin: germline.
Comment: Missense variant in a coldspot region where missense variants are very unlikely to be pathogenic (PMID:31911673).

BRCA1 coldspot (exon 11 using historical exon numbering). Reclassification based on statistical prior probability

Labcorp Genetics (formerly Invitae), Labcorp
Classification: Uncertain significance for Hereditary breast ovarian cancer syndrome. Last evaluated: 2022-04-06. Review status: criteria provided, single submitter. Criteria: Invitae Variant Classification Sherloc (09022015). Collection method: clinical testing. Allele origin: germline.
Comment: This variant is present in population databases (rs777132211, gnomAD 0.01%). In summary, the available evidence is currently insufficient to determine the role of this variant in disease. Therefore, it has been classified as a Variant of Uncertain Significance. Advanced modeling of protein sequence and biophysical properties (such as structural, functional, and spatial information, amino acid conservation, physicochemical variation, residue mobility, and thermodynamic stability) performed at Invitae indicates that this missense variant is not expected to disrupt BRCA1 protein function. ClinVar contains an entry for this variant (Variation ID: 862887). This variant has not been reported in the literature in individuals affected with BRCA1-related conditions. This sequence change replaces alanine, which is neutral and non-polar, with glycine, which is neutral and non-polar, at codon 439 of the BRCA1 protein (p.Ala439Gly).

Ambry Genetics
Classification: Uncertain significance for Hereditary cancer-predisposing syndrome. Last evaluated: 2022-01-29. Review status: criteria provided, single submitter. Criteria: Ambry Variant Classification Scheme 2023. Collection method: clinical testing. Allele origin: germline.
Comment: The p.A439G variant (also known as c.1316C>G), located in coding exon 9 of the BRCA1 gene, results from a C to G substitution at nucleotide position 1316. The alanine at codon 439 is replaced by glycine, an amino acid with similar properties. This amino acid position is conserved. In addition, the in silico prediction for this alteration is inconclusive. Since supporting evidence is limited at this time, the clinical significance of this alteration remains unclear.